The following is an entry in ClinVar:

ClinVar aggregate classification (germline): Conflicting classifications of pathogenicity. Review status: criteria provided, conflicting classifications (1 of 4 stars). 4 submissions from 4 submitters: Uncertain significance (1); Likely benign (3). Last evaluated 2026-01-20.

Conditions:
ADGRV1-related disorder. Also called: ADGRV1-related condition; ADGRV1-related disorders.

Allele frequency attached by ClinVar (database versions not stated): TOPMed 0.00001.
gnomAD v4.1: 69 of 1,613,732 alleles (0.0043%); highest among the groups gnomAD compares: Non-Finnish European, 0.0041%; no homozygotes.

Submissions (4):

Labcorp Genetics (formerly Invitae), Labcorp
Classification: Likely benign. Last evaluated: 2026-01-20. Review status: criteria provided, single submitter. Criteria: Invitae Variant Classification Sherloc (09022015). Collection method: clinical testing. Allele origin: germline.

PreventionGenetics, part of Exact Sciences
Classification: Likely benign for ADGRV1-related condition. Last evaluated: 2025-06-23. Review status: criteria provided, single submitter. Criteria: ACMG Guidelines, 2015. Collection method: clinical testing. Allele origin: germline.
Comment: This variant is classified as likely benign based on ACMG/AMP sequence variant interpretation guidelines (Richards et al. 2015 PMID: 25741868, with internal and published modifications).

Blueprint Genetics
Classification: Likely benign. Last evaluated: 2024-09-24. Review status: criteria provided, single submitter. Criteria: ACMG Guidelines, 2015. Collection method: clinical testing. Allele origin: germline.

Eurofins Ntd Llc (ga)
Classification: Uncertain significance. Last evaluated: 2016-07-05. Review status: criteria provided, single submitter. Criteria: EGL Classification Definitions 2015. Collection method: clinical testing. Allele origin: germline. Observed: 1 variant allele, 1 heterozygote.

NM_032119.4(ADGRV1):c.16248C>G (p.Val5416=)

Gene: ADGRV1 (adhesion G protein-coupled receptor V1; plus strand). Cytogenetic location: 5q14.3.
Variant type: single nucleotide variant.
Coding change: c.16248C>G on transcript NM_032119.4 (MANE Select); coding-DNA position 16248, C replaced by G.
Protein change: p.Val5416=; no amino-acid change (valine 5416 retained).
Molecular consequence: synonymous variant. On other transcripts: non-coding transcript variant (1).
Genome position (GRCh38, 1-based): chr5:90,823,476, C>G. VCF-style: chr5-90823476-C-G. GRCh37 (hg19) VCF-style: chr5-90119293-C-G.
Other names: c.16248C>G (NM_032119.3).
Identifiers: ClinVar variation 288318 (VCV000288318.16), dbSNP rs3763073, ClinGen allele CA3342093.